The following is an entry in ClinVar:

NM_173543.3(DZIP1L):c.1850C>T (p.Ser617Phe)

Gene: DZIP1L (DAZ interacting zinc finger protein 1 like; minus strand). Cytogenetic location: 3q22.3.
Variant type: single nucleotide variant.
Coding change: c.1850C>T on transcript NM_173543.3 (MANE Select); coding-DNA position 1850, C replaced by T.
Protein change: p.Ser617Phe; replaces serine 617 with phenylalanine.
Molecular consequence: missense variant.
Genome position (GRCh38, 1-based): chr3:138,067,683, G>A on the plus strand (C>T on the coding strand, the complement: DZIP1L is on the minus strand). VCF-style: chr3-138067683-G-A. GRCh37 (hg19) VCF-style: chr3-137786525-G-A.
Other names: short protein forms S617F.
Identifiers: ClinVar variation 3358558 (VCV003358558.1).

ClinVar aggregate classification (germline): Likely benign (0 of 4 stars; one submission).

Conditions:
DZIP1L-related disorder. Also called: DZIP1L-related condition.

gnomAD v4.1: 142 of 1,588,418 alleles (0.0089%); highest among the groups gnomAD compares: South Asian, 0.15%; 1 homozygote.

Submission:

PreventionGenetics, part of Exact Sciences
Classification: Likely benign for DZIP1L-related condition. Last evaluated: 2024-03-31. Review status: no assertion criteria provided. Collection method: clinical testing. Allele origin: germline.
Comment: This variant is classified as likely benign based on ACMG/AMP sequence variant interpretation guidelines (Richards et al. 2015 PMID: 25741868, with internal and published modifications).